The following is an entry in ClinVar:

NM_016203.4(PRKAG2):c.724A>G (p.Met242Val)

Genes: PRKAG2 (protein kinase AMP-activated non-catalytic subunit gamma 2; minus strand), LOC129999660 (ATAC-STARR-seq lymphoblastoid silent region 18823; plus strand). Cytogenetic location: 7q36.1.
Variant type: single nucleotide variant.
Coding change: c.724A>G on transcript NM_016203.4 (MANE Select); coding-DNA position 724, A replaced by G.
Protein change: p.Met242Val; replaces methionine 242 with valine.
Molecular consequence: missense variant. On other transcripts: initiator codon variant (7), intron variant (3).
Genome position (GRCh38, 1-based): chr7:151,632,099, T>C on the plus strand (A>G on the coding strand, the complement: PRKAG2 is on the minus strand). VCF-style: chr7-151632099-T-C. GRCh37 (hg19) VCF-style: chr7-151329185-T-C.
Other names: c.592A>G, p.Met198Val (NM_001040633.2, NM_001407024.1, NM_001407026.1 and 1 more transcripts); c.352A>G, p.Met118Val (NM_001304527.2, NM_001363698.2, NM_001407028.1 and 1 more transcripts); c.1A>G, p.Met1Val (NM_001304531.2, NM_001407034.1, NM_001407035.1 and 4 more transcripts); c.724A>G, p.Met242Val (NM_001407021.1, NM_001407022.1, NM_001407023.1); c.406A>G, p.Met136Val (NM_001407032.1); c.400A>G, p.Met134Val (NM_001407033.1); c.52A>G, p.Met18Val (NM_001407038.1); c.467-36648A>G (NM_001407031.1); and 2 more; short protein forms M118V, M134V, M136V, M18V, M198V, M1V, M242V.
Identifiers: ClinVar variation 4811792 (VCV004811792.1).

ClinVar aggregate classification (germline): Uncertain significance (1 of 4 stars; one submission).

Conditions:
Lethal congenital glycogen storage disease of heart. Also called: GLYCOGEN STORAGE DISEASE OF HEART; PHOSPHORYLASE KINASE DEFICIENCY OF HEART. Identifiers: Orphanet 439854, MedGen C1849813, MONDO:0009867, OMIM 261740.

gnomAD v4.1: 1 of 1,416,116 alleles (0.000071%); highest among the groups gnomAD compares: Non-Finnish European, 0.000093%; no homozygotes.

Submission:

Labcorp Genetics (formerly Invitae), Labcorp
Classification: Uncertain significance for Lethal congenital glycogen storage disease of heart. Last evaluated: 2025-02-09. Review status: criteria provided, single submitter. Criteria: Invitae Variant Classification Sherloc (09022015). Collection method: clinical testing. Allele origin: germline.
Comment: This sequence change replaces methionine, which is neutral and non-polar, with valine, which is neutral and non-polar, at codon 242 of the PRKAG2 protein (p.Met242Val). This variant is not present in population databases (gnomAD no frequency). This variant has not been reported in the literature in individuals affected with PRKAG2-related conditions. Invitae Evidence Modeling of protein sequence and biophysical properties (such as structural, functional, and spatial information, amino acid conservation, physicochemical variation, residue mobility, and thermodynamic stability) indicates that this missense variant is not expected to disrupt PRKAG2 protein function with a negative predictive value of 95%. In summary, the available evidence is currently insufficient to determine the role of this variant in disease. Therefore, it has been classified as a Variant of Uncertain Significance.